The following is an entry in ClinVar:

NM_001276270.2(MBD4):c.415G>C (p.Glu139Gln)

Gene: MBD4 (methyl-CpG binding domain 4, DNA glycosylase; minus strand). Cytogenetic location: 3q21.3.
Variant type: single nucleotide variant.
Coding change: c.415G>C on transcript NM_001276270.2 (MANE Select); coding-DNA position 415, G replaced by C.
Protein change: p.Glu139Gln; replaces glutamic acid 139 with glutamine.
Molecular consequence: missense variant. On other transcripts: intron variant (1).
Genome position (GRCh38, 1-based): chr3:129,437,229, C>G on the plus strand (G>C on the coding strand, the complement: MBD4 is on the minus strand). VCF-style: chr3-129437229-C-G. GRCh37 (hg19) VCF-style: chr3-129156072-C-G.
Other names: c.415G>C, p.Glu139Gln (NM_001276271.2, NM_001276272.2, NM_003925.3); c.247+579G>C (NM_001276273.2); short protein forms E139Q.
Identifiers: ClinVar variation 4859591 (VCV004859591.1).

ClinVar aggregate classification (germline): Uncertain significance (1 of 4 stars; one submission).

Conditions:
Inborn genetic diseases. Identifiers: MedGen C0950123, MeSH D030342.

Submission:

Ambry Genetics
Classification: Uncertain significance for Inborn genetic diseases. Last evaluated: 2026-05-05. Review status: criteria provided, single submitter. Criteria: Ambry Variant Classification Scheme 2023. Collection method: clinical testing. Allele origin: germline.
Comment: The p.E139Q variant (also known as c.415G>C), located in coding exon 3 of the MBD4 gene, results from a G to C substitution at nucleotide position 415. The glutamic acid at codon 139 is replaced by glutamine, an amino acid with highly similar properties. This amino acid position is well conserved in available vertebrate species. In addition, the in silico prediction for this alteration is inconclusive. Based on the available evidence, the clinical significance of this variant remains unclear.